The following is an entry in ClinVar:

ClinVar aggregate classification (germline): Uncertain significance (1 of 4 stars; one submission).

Conditions:
Tumor predisposition syndrome 3 (TPDS3). Also called: Melanoma, cutaneous malignant, susceptibility to, 10; Glioma susceptibility 9; LONG TELOMERE SYNDROME, POT1-RELATED; POT1 Tumor Predisposition. Identifiers: Orphanet 618, MedGen C4014476, MONDO:0014368, OMIM 615848.

Submission:

Labcorp Genetics (formerly Invitae), Labcorp
Classification: Uncertain significance for Tumor predisposition syndrome 3. Last evaluated: 2025-10-07. Review status: criteria provided, single submitter. Criteria: Invitae Variant Classification Sherloc (09022015). Collection method: clinical testing. Allele origin: germline.
Comment: This sequence change replaces phenylalanine, which is neutral and non-polar, with leucine, which is neutral and non-polar, at codon 542 of the POT1 protein (p.Phe542Leu). This variant is not present in population databases (gnomAD no frequency). This variant has not been reported in the literature in individuals affected with POT1-related conditions. ClinVar contains an entry for this variant (Variation ID: 849950). Invitae Evidence Modeling of protein sequence and biophysical properties (such as structural, functional, and spatial information, amino acid conservation, physicochemical variation, residue mobility, and thermodynamic stability) indicates that this missense variant is not expected to disrupt POT1 protein function with a negative predictive value of 80%. In summary, the available evidence is currently insufficient to determine the role of this variant in disease. Therefore, it has been classified as a Variant of Uncertain Significance.

NM_015450.3(POT1):c.1624T>C (p.Phe542Leu)

Gene: POT1 (protection of telomeres 1; minus strand). Cytogenetic location: 7q31.33.
Variant type: single nucleotide variant.
Coding change: c.1624T>C on transcript NM_015450.3 (MANE Select); coding-DNA position 1624, T replaced by C.
Protein change: p.Phe542Leu; replaces phenylalanine 542 with leucine.
Molecular consequence: missense variant. On other transcripts: non-coding transcript variant (3).
Genome position (GRCh38, 1-based): chr7:124,827,276, A>G on the plus strand (T>C on the coding strand, the complement: POT1 is on the minus strand). VCF-style: chr7-124827276-A-G. GRCh37 (hg19) VCF-style: chr7-124467330-A-G.
Other names: c.1231T>C, p.Phe411Leu (NM_001042594.2); short protein forms F411L, F542L.
Identifiers: ClinVar variation 849950 (VCV000849950.10), dbSNP rs1794653570, ClinGen allele CA369063155.